The following is an entry in ClinVar:

ClinVar aggregate classification (germline): Uncertain significance (1 of 4 stars; one submission).

Conditions:
Immunodeficiency 35 (IMD35). Also called: HIES WITH ATYPICAL MYCOBACTERIOSIS, AUTOSOMAL RECESSIVE; HYPER-IgE SYNDROME WITH ATYPICAL MYCOBACTERIOSIS, AUTOSOMAL RECESSIVE; TYK2 DEFICIENCY; Susceptibility to infection due to TYK2 deficiency. Identifiers: Orphanet 331226, MedGen C1969086, MONDO:0012682, OMIM 611521.

gnomAD v4.1: 13 of 1,614,042 alleles (0.00081%); highest among the groups gnomAD compares: Admixed American, 0.0017%; no homozygotes.

Submission:

Labcorp Genetics (formerly Invitae), Labcorp
Classification: Uncertain significance for Immunodeficiency 35. Last evaluated: 2025-07-08. Review status: criteria provided, single submitter. Criteria: Invitae Variant Classification Sherloc (09022015). Collection method: clinical testing. Allele origin: germline.
Comment: This sequence change replaces arginine, which is basic and polar, with glutamine, which is neutral and polar, at codon 370 of the TYK2 protein (p.Arg370Gln). This variant is present in population databases (rs759514762, gnomAD 0.003%). This variant has not been reported in the literature in individuals affected with TYK2-related conditions. Invitae Evidence Modeling of protein sequence and biophysical properties (such as structural, functional, and spatial information, amino acid conservation, physicochemical variation, residue mobility, and thermodynamic stability) indicates that this missense variant is not expected to disrupt TYK2 protein function with a negative predictive value of 80%. In summary, the available evidence is currently insufficient to determine the role of this variant in disease. Therefore, it has been classified as a Variant of Uncertain Significance.

NM_003331.5(TYK2):c.1109G>A (p.Arg370Gln)

Gene: TYK2 (tyrosine kinase 2; minus strand). Cytogenetic location: 19p13.2.
Variant type: single nucleotide variant.
Coding change: c.1109G>A on transcript NM_003331.5 (MANE Select); coding-DNA position 1109, G replaced by A.
Protein change: p.Arg370Gln; replaces arginine 370 with glutamine.
Molecular consequence: missense variant. On other transcripts: intron variant (1).
Genome position (GRCh38, 1-based): chr19:10,364,951, C>T on the plus strand (G>A on the coding strand, the complement: TYK2 is on the minus strand). VCF-style: chr19-10364951-C-T. GRCh37 (hg19) VCF-style: chr19-10475627-C-T.
Other names: c.1109G>A, p.Arg370Gln (NM_001385197.1, NM_001385198.1, NM_001385199.1 and 7 more transcripts); c.1019G>A, p.Arg340Gln (NM_001385205.1); c.1012-180G>A (NM_001385201.1); short protein forms R340Q, R370Q.
Identifiers: ClinVar variation 4707776 (VCV004707776.1).